The following is an entry in ClinVar:

NM_003738.5(PTCH2):c.2128G>A (p.Gly710Ser)

Gene: PTCH2 (patched 2; minus strand). Cytogenetic location: 1p34.1.
Variant type: single nucleotide variant.
Coding change: c.2128G>A on transcript NM_003738.5 (MANE Select); coding-DNA position 2128, G replaced by A.
Protein change: p.Gly710Ser; replaces glycine 710 with serine.
Molecular consequence: missense variant.
Genome position (GRCh38, 1-based): chr1:44,827,645, C>T on the plus strand (G>A on the coding strand, the complement: PTCH2 is on the minus strand). VCF-style: chr1-44827645-C-T. GRCh37 (hg19) VCF-style: chr1-45293317-C-T.
Other names: c.2128G>A, p.Gly710Ser (NM_001166292.2); short protein forms G710S.
Identifiers: ClinVar variation 3690369 (VCV003690369.2).

ClinVar aggregate classification (germline): Uncertain significance (1 of 4 stars; one submission).

Conditions:
Gorlin syndrome. Also called: Basal cell nevus syndrome; Nevoid Basal Cell Carcinoma Syndrome. Identifiers: Orphanet 377, MedGen C0004779, MONDO:0007187.

gnomAD v4.1: 34 of 1,613,292 alleles (0.0021%); highest among the groups gnomAD compares: South Asian, 0.0077%; no homozygotes.

Submission:

Labcorp Genetics (formerly Invitae), Labcorp
Classification: Uncertain significance for Gorlin syndrome. Last evaluated: 2024-10-18. Review status: criteria provided, single submitter. Criteria: Invitae Variant Classification Sherloc (09022015). Collection method: clinical testing. Allele origin: germline.
Comment: This sequence change replaces glycine, which is neutral and non-polar, with serine, which is neutral and polar, at codon 710 of the PTCH2 protein (p.Gly710Ser). This variant is present in population databases (rs748852529, gnomAD 0.01%). This variant has not been reported in the literature in individuals affected with PTCH2-related conditions. Invitae Evidence Modeling of protein sequence and biophysical properties (such as structural, functional, and spatial information, amino acid conservation, physicochemical variation, residue mobility, and thermodynamic stability) indicates that this missense variant is expected to disrupt PTCH2 protein function with a positive predictive value of 80%. In summary, the available evidence is currently insufficient to determine the role of this variant in disease. Therefore, it has been classified as a Variant of Uncertain Significance.